The following is an entry in ClinVar:

NM_001614.5(ACTG1):c.1051A>C (p.Thr351Pro)

Gene: ACTG1 (actin gamma 1; minus strand). Cytogenetic location: 17q25.3.
Variant type: single nucleotide variant.
Coding change: c.1051A>C on transcript NM_001614.5 (MANE Select); coding-DNA position 1051, A replaced by C.
Protein change: p.Thr351Pro; replaces threonine 351 with proline.
Molecular consequence: missense variant. On other transcripts: non-coding transcript variant (1).
Genome position (GRCh38, 1-based): chr17:81,510,767, T>G on the plus strand (A>C on the coding strand, the complement: ACTG1 is on the minus strand). VCF-style: chr17-81510767-T-G. GRCh37 (hg19) VCF-style: chr17-79477793-T-G.
Other names: c.1051A>C, p.Thr351Pro (NM_001199954.3); short protein forms T351P.
Identifiers: ClinVar variation 162710 (VCV000162710.4), dbSNP rs727502880, ClinGen allele CA175187.
Genomic context (GRCh38, chr17:81,510,767, plus strand): 5'-GGACGATGGAGGGGCCCGACTCGTCGTACTCCTGCTTGCTAATCCACATCTGCTGGAAGG[T>G]GGACAGTGAGGCCAGGATGGAGCCACCGATCCACACCGAGTACTTGCGCTCTGGGGGTGC-3'
Protein context (NP_001605.1, residues 341-361): IGGSILASLS[Thr351Pro]FQQMWISKQE

ClinVar aggregate classification (germline): Uncertain significance (1 of 4 stars; one submission).

Submission:

Laboratory for Molecular Medicine, Mass General Brigham Personalized Medicine
Classification: Uncertain significance. Last evaluated: 2014-12-24. Review status: criteria provided, single submitter. Criteria: LMM Criteria. Collection method: clinical testing. Allele origin: germline. Observed: 1 variant allele.
Comment: The p.Thr351Pro variant in ACTG1 has not been previously reported in individuals with hearing loss or in large population studies. Computational prediction tool s and conservation analysis suggest that this variant may impact the protein, th ough this information is not predictive enough to determine pathogenicity. In su mmary, the clinical significance of the p.Thr351Pro variant is uncertain.